The following is an entry in ClinVar:

ClinVar aggregate classification (germline): Uncertain significance (1 of 4 stars; one submission).

Conditions:
Inborn genetic diseases. Identifiers: MedGen C0950123, MeSH D030342.

gnomAD v4.1: 1 of 1,613,356 alleles (0.000062%); highest among the groups gnomAD compares: African/African-American, 0.0013%; no homozygotes.

Submission:

Ambry Genetics
Classification: Uncertain significance for Inborn genetic diseases. Last evaluated: 2024-06-14. Review status: criteria provided, single submitter. Criteria: Ambry Variant Classification Scheme 2023. Collection method: clinical testing. Allele origin: germline.
Comment: The c.197A>G (p.D66G) alteration is located in exon 2 (coding exon 1) of the SOX6 gene. This alteration results from a A to G substitution at nucleotide position 197, causing the aspartic acid (D) at amino acid position 66 to be replaced by a glycine (G). This variant was not reported in population-based cohorts in the Genome Aggregation Database (gnomAD). This amino acid position is well conserved in available vertebrate species. The in silico prediction for this alteration is inconclusive. Based on insufficient or conflicting evidence, the clinical significance of this alteration remains unclear.

NM_001367873.1(SOX6):c.197A>G (p.Asp66Gly)

Gene: SOX6 (SRY-box transcription factor 6; minus strand). Cytogenetic location: 11p15.2.
Variant type: single nucleotide variant.
Coding change: c.197A>G on transcript NM_001367873.1 (MANE Select); coding-DNA position 197, A replaced by G.
Protein change: p.Asp66Gly; replaces aspartic acid 66 with glycine.
Molecular consequence: missense variant.
Genome position (GRCh38, 1-based): chr11:16,341,052, T>C on the plus strand (A>G on the coding strand, the complement: SOX6 is on the minus strand). VCF-style: chr11-16341052-T-C. GRCh37 (hg19) VCF-style: chr11-16362598-T-C.
Other names: c.197A>G, p.Asp66Gly (NM_001145811.2, NM_001145819.2, NM_001367872.1 and 2 more transcripts); short protein forms D66G.
Identifiers: ClinVar variation 3321659 (VCV003321659.1).
Genomic context (GRCh38, chr11:16,341,052, plus strand): 5'-GTCAGATTTTAAAGGCTCACCATTCTTTGCTGAGATGACAGAACGCTGTCCCAGTCAGCA[T>C]CTTGTTGAATGGTACTGACAAGTGTTGGTAGCTCCTCAGAGTGAGGTTTGTTGTGCATTA-3'
Protein context (NP_001354802.1, residues 56-76): LPTLVSTIQQ[Asp66Gly]ADWDSVLSSQ